The following is an entry in ClinVar:

NM_000530.8(MPZ):c.*4T>G

Gene: MPZ (myelin protein zero; minus strand). Cytogenetic location: 1q23.3.
Variant type: single nucleotide variant.
Coding change: c.*4T>G on transcript NM_000530.8 (MANE Select); 4 bases downstream of the stop codon, T replaced by G.
Molecular consequence: 3 prime UTR variant. On other transcripts: missense variant (1).
Genome position (GRCh38, 1-based): chr1:161,305,872, A>C on the plus strand (T>G on the coding strand, the complement: MPZ is on the minus strand). VCF-style: chr1-161305872-A-C. GRCh37 (hg19) VCF-style: chr1-161275662-A-C.
Other names: c.751T>G, p.Leu251Val (NM_001315491.2); short protein forms L251V.
Identifiers: ClinVar variation 1030424 (VCV001030424.2), dbSNP rs1670223090, ClinGen allele CA1202687687.

ClinVar aggregate classification (germline): Uncertain significance. Review status: criteria provided, multiple submitters, no conflicts (2 of 4 stars). 2 submissions from 2 submitters: Uncertain significance (2). Last evaluated 2024-11-08.

Conditions:
MPZ-related disorder. Also called: MPZ-related disorders; MPZ-related condition.
Charcot-Marie-Tooth disease dominant intermediate D. Also called: CHARCOT-MARIE-TOOTH NEUROPATHY, DOMINANT INTERMEDIATE D; Charcot-Marie-Tooth disease dominant intermediate 3; CMT DI3. Identifiers: Orphanet 100046, MedGen C1843075, MONDO:0011909, OMIM 607791.

Submissions (2):

PreventionGenetics, part of Exact Sciences
Classification: Uncertain significance for MPZ-related condition. Last evaluated: 2024-11-08. Review status: criteria provided, single submitter. Criteria: ACMG Guidelines, 2015. Collection method: clinical testing. Allele origin: germline.
Comment: The MPZ c.751T>G variant is predicted to result in the amino acid substitution p.Leu251Val. This variant is post-coding in the canonical transcript NM_000530:c.*4T>G. To our knowledge, this variant has not been reported in the literature or in a large population database (gnomAD), indicating this variant is rare. At this time, the clinical significance of this variant is uncertain due to the absence of conclusive functional and genetic evidence.

Baylor Genetics
Classification: Uncertain significance for Charcot-Marie-Tooth disease dominant intermediate D. Last evaluated: 2019-06-30. Review status: criteria provided, single submitter. Criteria: ACMG Guidelines, 2015. Collection method: clinical testing. Allele origin: unknown. Affected: yes.
Comment: This variant was determined to be of uncertain significance according to ACMG Guidelines, 2015 [PMID:25741868].